The following is an entry in ClinVar:

ClinVar aggregate classification (germline): Uncertain significance. Review status: criteria provided, multiple submitters, no conflicts (2 of 4 stars). 3 submissions from 3 submitters: Uncertain significance (2). 1 of the submissions does not count toward it. Last evaluated 2022-12-09.

Conditions:
Breast and/or ovarian cancer. Identifiers: MedGen CN221562.
Ataxia-telangiectasia syndrome (AT). Also called: Ataxia-telangiectasia, complementation group D; ATAXIA-TELANGIECTASIA, COMPLEMENTATION GROUP A; ATAXIA-TELANGIECTASIA, FRESNO VARIANT; Ataxia-telangiectasia, complementation group E; Cerebello-oculocutaneous telangiectasia; Immunodeficiency with ataxia telangiectasia. Identifiers: Orphanet 100, MedGen C0004135, MONDO:0008840, OMIM 208900.

Submissions (3):

CHEO Genetics Diagnostic Laboratory, Children's Hospital of Eastern Ontario
Classification: Uncertain significance for Breast and/or ovarian cancer. Last evaluated: 2022-12-09. Review status: criteria provided, single submitter. Criteria: ACMG Guidelines, 2015. Collection method: clinical testing. Allele origin: germline.

Labcorp Genetics (formerly Invitae), Labcorp
Classification: Uncertain significance for Ataxia-telangiectasia syndrome. Last evaluated: 2020-11-19. Review status: criteria provided, single submitter. Criteria: Invitae Variant Classification Sherloc (09022015). Collection method: clinical testing. Allele origin: germline.
Comment: In summary, the available evidence is currently insufficient to determine the role of this variant in disease. Therefore, it has been classified as a Variant of Uncertain Significance. Nucleotide substitutions within the consensus splice site are a relatively common cause of aberrant splicing (PMID: 17576681, 9536098). Algorithms developed to predict the effect of sequence changes on RNA splicing suggest that this variant is not likely to affect RNA splicing, but this prediction has not been confirmed by published transcriptional studies. This variant has not been reported in the literature in individuals with ATM-related conditions. This variant is not present in population databases (ExAC no frequency). This sequence change falls in intron 26 of the ATM gene. It does not directly change the encoded amino acid sequence of the ATM protein. It affects a nucleotide within the consensus splice site of the intron.

Natera, Inc.
Classification: Uncertain significance for Ataxia-telangiectasia. Last evaluated: 2025-04-11. Review status: no assertion criteria provided. Collection method: clinical testing. Allele origin: germline. Not counted in ClinVar's aggregate classification.

Literature cited by the submitters: PubMed 17576681 (cited by Labcorp Genetics (formerly Invitae), Labcorp); PubMed 9536098 (cited by Labcorp Genetics (formerly Invitae), Labcorp).

NM_000051.4(ATM):c.3993+6G>A

Gene: ATM (ATM serine/threonine kinase; plus strand). Cytogenetic location: 11q22.3.
Variant type: single nucleotide variant.
Coding change: c.3993+6G>A on transcript NM_000051.4 (MANE Select); 6 bases into the intron after coding-DNA position 3993, G replaced by A.
Molecular consequence: intron variant.
Genome position (GRCh38, 1-based): chr11:108,284,479, G>A. VCF-style: chr11-108284479-G-A. GRCh37 (hg19) VCF-style: chr11-108155206-G-A.
Other names: c.3993+6G>A (NM_001351834.2, NM_000051.3).
Identifiers: ClinVar variation 1346873 (VCV001346873.8), dbSNP rs878853508, ClinGen allele CA2565110843.